The following is an entry in ClinVar:

ClinVar aggregate classification (germline): Likely pathogenic. Review status: criteria provided, multiple submitters, no conflicts (2 of 4 stars). 2 submissions from 2 submitters: Likely pathogenic (2). Last evaluated 2026-01-26.

Conditions:
RGS9-related disorder. Also called: RGS9-related condition.

Allele frequency attached by ClinVar (database versions not stated): gnomAD 0.00001 and 0.00002; gnomAD exomes 0.00001 and 0.00008; TOPMed 0.00002; ExAC 0.00003.
gnomAD v4.1: 118 of 1,607,684 alleles (0.0073%); highest among the groups gnomAD compares: Non-Finnish European, 0.0095%; no homozygotes.

Submissions (3):

Labcorp Genetics (formerly Invitae), Labcorp
Classification: Likely pathogenic. Last evaluated: 2026-01-26. Review status: criteria provided, single submitter. Criteria: Invitae Variant Classification Sherloc (09022015). Collection method: clinical testing. Allele origin: germline.
Comment: This sequence change affects an acceptor splice site in intron 15 of the RGS9 gene. It is expected to disrupt RNA splicing. Variants that disrupt the donor or acceptor splice site typically lead to a loss of protein function (PMID: 16199547), and loss-of-function variants in RGS9 are known to be pathogenic (PMID: 11262419, 14702087). This variant is present in population databases (rs776501006, gnomAD 0.007%). This variant has not been reported in the literature in individuals affected with RGS9-related conditions. ClinVar contains an entry for this variant (Variation ID: 933886). Algorithms developed to predict the effect of sequence changes on RNA splicing suggest that this variant may disrupt the consensus splice site. In summary, the currently available evidence indicates that the variant is pathogenic, but additional data are needed to prove that conclusively. Therefore, this variant has been classified as Likely Pathogenic.

Blueprint Genetics
Classification: Likely pathogenic for RGS9-related disorders. Last evaluated: 2020-10-15. Review status: criteria provided, single submitter. Criteria: ACMG Guidelines, 2015. Collection method: clinical testing. Allele origin: germline. Affected: yes. Observed: 3 variant alleles.

Dr. Peter K. Rogan Lab, Western University
No classification provided (evidence only). Condition: Uterine corpus endometrial carcinoma. Review status: no classification provided. Collection method: in vitro. Allele origin: not applicable. Functional consequence: retained intron. Not counted in ClinVar's aggregate classification.

Literature cited by the submitters: PubMed 16199547 (cited by Labcorp Genetics (formerly Invitae), Labcorp); PubMed 11262419 (cited by Labcorp Genetics (formerly Invitae), Labcorp); PubMed 14702087 (cited by Labcorp Genetics (formerly Invitae), Labcorp).

NM_003835.4(RGS9):c.1204-1G>A

Gene: RGS9 (regulator of G protein signaling 9; plus strand). Cytogenetic location: 17q24.1.
Variant type: single nucleotide variant.
Coding change: c.1204-1G>A on transcript NM_003835.4 (MANE Select); the canonical splice acceptor site of the intron before coding-DNA position 1204, G replaced by A.
Molecular consequence: splice acceptor variant.
Genome position (GRCh38, 1-based): chr17:65,207,921, G>A. VCF-style: chr17-65207921-G-A. GRCh37 (hg19) VCF-style: chr17-63204039-G-A.
Other names: c.1195-1G>A (NM_001081955.3, NM_001165933.2).
Identifiers: ClinVar variation 933886 (VCV000933886.10), dbSNP rs776501006, ClinGen allele CA8717977.